The following is an entry in ClinVar:

NM_001110556.2(FLNA):c.3137C>T (p.Thr1046Ile)

Gene: FLNA (filamin A; minus strand). Cytogenetic location: Xq28.
Variant type: single nucleotide variant.
Coding change: c.3137C>T on transcript NM_001110556.2 (MANE Select); coding-DNA position 3137, C replaced by T.
Protein change: p.Thr1046Ile; replaces threonine 1046 with isoleucine.
Molecular consequence: missense variant.
Genome position (GRCh38, 1-based): chrX:154,361,378, G>A on the plus strand (C>T on the coding strand, the complement: FLNA is on the minus strand). VCF-style: chrX-154361378-G-A. GRCh37 (hg19) VCF-style: chrX-153589746-G-A.
Other names: c.3137C>T, p.Thr1046Ile (NM_001456.4); short protein forms T1046I.
Identifiers: ClinVar variation 2629578 (VCV002629578.1), dbSNP rs2522744947, ClinGen allele CA415230222.

ClinVar aggregate classification (germline): Uncertain significance (1 of 4 stars; one submission).

Conditions:
FLNA-related disorder.

Submission:

PreventionGenetics, part of Exact Sciences
Classification: Uncertain significance for FLNA-related condition. Last evaluated: 2022-12-27. Review status: criteria provided, single submitter. Criteria: ACMG Guidelines, 2015. Collection method: clinical testing. Allele origin: germline.
Comment: The FLNA c.3137C>T variant is predicted to result in the amino acid substitution p.Thr1046Ile. To our knowledge, this variant has not been reported in the literature or in a large population database, indicating this variant is rare. At this time, the clinical significance of this variant is uncertain due to the absence of conclusive functional and genetic evidence.